The following is an entry in ClinVar:

ClinVar aggregate classification (germline): Uncertain significance (1 of 4 stars; one submission).

Allele frequency attached by ClinVar (database versions not stated): TOPMed 0.00002; ESP Exome Variant Server 0.00008.
gnomAD v4.1: 1 of 1,596,582 alleles (0.000063%); highest among the groups gnomAD compares: Non-Finnish European, 0.000085%; no homozygotes.

Submission:

Labcorp Genetics (formerly Invitae), Labcorp
Classification: Uncertain significance. Last evaluated: 2022-03-19. Review status: criteria provided, single submitter. Criteria: Invitae Variant Classification Sherloc (09022015). Collection method: clinical testing. Allele origin: germline.
Comment: This sequence change replaces phenylalanine, which is neutral and non-polar, with leucine, which is neutral and non-polar, at codon 221 of the FSCN2 protein (p.Phe221Leu). This variant is not present in population databases (gnomAD no frequency). This variant has not been reported in the literature in individuals affected with FSCN2-related conditions. Algorithms developed to predict the effect of missense changes on protein structure and function are either unavailable or do not agree on the potential impact of this missense change (SIFT: "Tolerated"; PolyPhen-2: "Probably Damaging"; Align-GVGD: "Class C0"). In summary, the available evidence is currently insufficient to determine the role of this variant in disease. Therefore, it has been classified as a Variant of Uncertain Significance.

NM_012418.4(FSCN2):c.663C>G (p.Phe221Leu)

Gene: FSCN2 (fascin actin-bundling protein 2, retinal; plus strand). Cytogenetic location: 17q25.3.
Variant type: single nucleotide variant.
Coding change: c.663C>G on transcript NM_012418.4 (MANE Select); coding-DNA position 663, C replaced by G.
Protein change: p.Phe221Leu; replaces phenylalanine 221 with leucine.
Molecular consequence: missense variant.
Genome position (GRCh38, 1-based): chr17:81,529,194, C>G. VCF-style: chr17-81529194-C-G. GRCh37 (hg19) VCF-style: chr17-79496220-C-G.
Other names: c.663C>G, p.Phe221Leu (NM_001077182.3); short protein forms F221L.
Identifiers: ClinVar variation 1413754 (VCV001413754.6), dbSNP rs374822744, ClinGen allele CA295078770.